The following is an entry in ClinVar:

ClinVar aggregate classification (germline): Uncertain significance (1 of 4 stars; one submission).

gnomAD v4.1: 2 of 1,613,868 alleles (0.00012%); highest among the groups gnomAD compares: South Asian, 0.0022%; no homozygotes.

Submission:

Women's Health and Genetics/Laboratory Corporation of America, LabCorp
Classification: Uncertain significance. Last evaluated: 2023-08-29. Review status: criteria provided, single submitter. Criteria: LabCorp Variant Classification Summary - May 2015. Collection method: clinical testing. Allele origin: germline.
Comment: Variant summary: XPC c.1001C>T (p.Pro334Leu) results in a non-conservative amino acid change in the encoded protein sequence. Four of five in-silico tools predict a benign effect of the variant on protein function. The variant allele was found at a frequency of 8.1e-06 in 247062 control chromosomes (i.e., 2 heterozygotes; gnomAD v2.1 Exomes dataset). The available data on variant occurrences in the general population are insufficient to allow any conclusion about variant significance. To our knowledge, no occurrence of c.1001C>T in individuals affected with Xeroderma Pigmentosum and no experimental evidence demonstrating its impact on protein function have been reported. No submitters have reported clinical-significance assessments for this variant to ClinVar after 2014. Based on the evidence outlined above, the variant was classified as uncertain significance.

NM_004628.5(XPC):c.1001C>T (p.Pro334Leu)

Gene: XPC (XPC complex subunit, DNA damage recognition and repair factor; minus strand). Cytogenetic location: 3p25.1.
Variant type: single nucleotide variant.
Coding change: c.1001C>T on transcript NM_004628.5 (MANE Select); coding-DNA position 1001, C replaced by T.
Protein change: p.Pro334Leu; replaces proline 334 with leucine.
Molecular consequence: missense variant. On other transcripts: non-coding transcript variant (2).
Genome position (GRCh38, 1-based): chr3:14,158,882, G>A on the plus strand (C>T on the coding strand, the complement: XPC is on the minus strand). VCF-style: chr3-14158882-G-A. GRCh37 (hg19) VCF-style: chr3-14200382-G-A.
Other names: c.422C>T, p.Pro141Leu (NM_001354726.2); c.1001C>T, p.Pro334Leu (NM_001354727.2, NM_001354730.2); c.983C>T, p.Pro328Leu (NM_001354729.2); short protein forms P141L, P328L, P334L.
Identifiers: ClinVar variation 2581434 (VCV002581434.1), dbSNP rs74737358, ClinGen allele CA2267521.